The following is an entry in ClinVar:

NM_177438.3(DICER1):c.3845C>G (p.Ser1282Cys)

Gene: DICER1 (dicer 1, ribonuclease III; minus strand). Cytogenetic location: 14q32.13.
Variant type: single nucleotide variant.
Coding change: c.3845C>G on transcript NM_177438.3 (MANE Select); coding-DNA position 3845, C replaced by G.
Protein change: p.Ser1282Cys; replaces serine 1282 with cysteine.
Molecular consequence: missense variant.
Genome position (GRCh38, 1-based): chr14:95,103,551, G>C on the plus strand (C>G on the coding strand, the complement: DICER1 is on the minus strand). VCF-style: chr14-95103551-G-C. GRCh37 (hg19) VCF-style: chr14-95569888-G-C.
Other names: c.3845C>G, p.Ser1282Cys (NM_001195573.1, NM_001271282.3, NM_001291628.2 and 1 more transcripts); short protein forms S1282C.
Identifiers: ClinVar variation 1052726 (VCV001052726.10), dbSNP rs2139957902, ClinGen allele CA390873321.

ClinVar aggregate classification (germline): Uncertain significance (1 of 4 stars; one submission).

Conditions:
DICER1-related tumor predisposition. Also called: DICER1-related pleuropulmonary blastoma cancer predisposition syndrome; DICER1 syndrome. Identifiers: Orphanet 284343, MedGen C3839822, MONDO:0100216.

Submission:

Labcorp Genetics (formerly Invitae), Labcorp
Classification: Uncertain significance for DICER1-related tumor predisposition. Last evaluated: 2020-01-20. Review status: criteria provided, single submitter. Criteria: Invitae Variant Classification Sherloc (09022015). Collection method: clinical testing. Allele origin: germline.
Comment: This sequence change replaces serine with cysteine at codon 1282 of the DICER1 protein (p.Ser1282Cys). The serine residue is moderately conserved and there is a moderate physicochemical difference between serine and cysteine. This variant is not present in population databases (ExAC no frequency). This variant has not been reported in the literature in individuals with DICER1-related conditions. Algorithms developed to predict the effect of missense changes on protein structure and function output the following: SIFT: "Tolerated"; PolyPhen-2: "Benign"; Align-GVGD: "Class C0". The cysteine amino acid residue is found in multiple mammalian species, suggesting that this missense change does not adversely affect protein function. These predictions have not been confirmed by published functional studies and their clinical significance is uncertain. In summary, the available evidence is currently insufficient to determine the role of this variant in disease. Therefore, it has been classified as a Variant of Uncertain Significance.